The following is an entry in ClinVar:

NM_000091.5(COL4A3):c.3070+4A>G

Genes: COL4A3 (collagen type IV alpha 3 chain; plus strand), MFF-DT (MFF divergent transcript; minus strand). Cytogenetic location: 2q36.3.
Variant type: single nucleotide variant.
Coding change: c.3070+4A>G on transcript NM_000091.5 (MANE Select); 4 bases into the intron after coding-DNA position 3070, A replaced by G.
Molecular consequence: intron variant.
Genome position (GRCh38, 1-based): chr2:227,290,092, A>G. VCF-style: chr2-227290092-A-G. GRCh37 (hg19) VCF-style: chr2-228154808-A-G.
Identifiers: ClinVar variation 1810574 (VCV001810574.1), dbSNP rs2072591669, ClinGen allele CA2580065938.
Genomic context (GRCh38, chr2:227,290,092, plus strand): 5'-CTGGAGAACCAGGACTGCGTGGTATACCAGGAAGCATGGGGAACATGGGCATGCCAGGTA[A>G]TGCATAAGGTCCTGTTATGAGCCCACAAGCTCATGATGGGTGAGGACTCCAGATTTTCTG-3'

ClinVar aggregate classification (germline): Uncertain significance (1 of 4 stars; one submission).

Submission:

GeneDx
Classification: Uncertain significance. Last evaluated: 2023-01-05. Review status: criteria provided, single submitter. Criteria: GeneDx Variant Classification Process June 2021. Collection method: clinical testing. Allele origin: germline. Affected: yes.
Comment: Not observed at significant frequency in large population cohorts (gnomAD); In silico analysis supports a deleterious effect on splicing; Has not been previously published as pathogenic or benign to our knowledge